The following is an entry in ClinVar:

ClinVar aggregate classification (germline): Uncertain significance. Review status: criteria provided, multiple submitters, no conflicts (2 of 4 stars). 2 submissions from 2 submitters: Uncertain significance (2). Last evaluated 2025-09-09.

Conditions:
Familial adenomatous polyposis 3. Also called: NTHL1-Related Adenomatous Polyposis and Colorectal Cancer; NTHL1-related attenuated familial adenomatous polyposis; NTHL1 Tumor Syndrome; NTHL1-associated polyposis. Identifiers: Orphanet 220460, Orphanet 454840, MedGen C4225157, MONDO:0014630, OMIM 616415.

Allele frequency attached by ClinVar (database versions not stated): gnomAD exomes below 0.00001.
gnomAD v4.1: 1 of 1,611,864 alleles (0.000062%); highest among the groups gnomAD compares: South Asian, 0.0011%; no homozygotes.

Submissions (2):

Labcorp Genetics (formerly Invitae), Labcorp
Classification: Uncertain significance. Last evaluated: 2025-09-09. Review status: criteria provided, single submitter. Criteria: Invitae Variant Classification Sherloc (09022015). Collection method: clinical testing. Allele origin: germline.
Comment: This sequence change replaces alanine, which is neutral and non-polar, with threonine, which is neutral and polar, at codon 209 of the NTHL1 protein (p.Ala209Thr). The frequency data for this variant in the population databases is considered unreliable, as metrics indicate poor data quality at this position in the gnomAD database. This variant has not been reported in the literature in individuals affected with NTHL1-related conditions. ClinVar contains an entry for this variant (Variation ID: 2794375). An algorithm developed to predict the effect of missense changes on protein structure and function outputs the following: PolyPhen-2: "Benign". The threonine amino acid residue is found in multiple mammalian species, which suggests that this missense change does not adversely affect protein function. In summary, the available evidence is currently insufficient to determine the role of this variant in disease. Therefore, it has been classified as a Variant of Uncertain Significance.

Department of Pathology and Laboratory Medicine, Sinai Health System
Classification: Uncertain significance for Familial adenomatous polyposis 3. Last evaluated: 2022-03-04. Review status: criteria provided, single submitter. Criteria: ACMG Guidelines, 2015. Collection method: clinical testing. Allele origin: germline. Affected: yes.

NM_002528.7(NTHL1):c.601G>A (p.Ala201Thr)

Gene: NTHL1 (nth like DNA glycosylase 1; minus strand). Cytogenetic location: 16p13.3.
Variant type: single nucleotide variant.
Coding change: c.601G>A on transcript NM_002528.7 (MANE Select); coding-DNA position 601, G replaced by A.
Protein change: p.Ala201Thr; replaces alanine 201 with threonine.
Molecular consequence: missense variant.
Genome position (GRCh38, 1-based): chr16:2,043,651, C>T on the plus strand (G>A on the coding strand, the complement: NTHL1 is on the minus strand). VCF-style: chr16-2043651-C-T. GRCh37 (hg19) VCF-style: chr16-2093652-C-T.
Other names: c.430G>A, p.Ala144Thr (NM_001318193.2); c.271G>A, p.Ala91Thr (NM_001318194.2); short protein forms A201T, A91T, A144T.
Identifiers: ClinVar variation 2794375 (VCV002794375.4), dbSNP rs1167072138, ClinGen allele CA394291676.